The following is an entry in ClinVar:

ClinVar aggregate classification (germline): Uncertain significance (1 of 4 stars; one submission).

Conditions:
Early Myoclonic Encephalopathy. Identifiers: MedGen C0270855.

Allele frequency attached by ClinVar (database versions not stated): gnomAD exomes below 0.00001.
gnomAD v4.1: 7 of 1,614,098 alleles (0.00043%); highest among the groups gnomAD compares: Non-Finnish European, 0.00059%; no homozygotes.

Submission:

Labcorp Genetics (formerly Invitae), Labcorp
Classification: Uncertain significance for Early Myoclonic Encephalopathy. Last evaluated: 2022-06-04. Review status: criteria provided, single submitter. Criteria: Invitae Variant Classification Sherloc (09022015). Collection method: clinical testing. Allele origin: germline.
Comment: This sequence change replaces glutamic acid, which is acidic and polar, with alanine, which is neutral and non-polar, at codon 79 of the KCND2 protein (p.Glu79Ala). This variant is present in population databases (no rsID available, gnomAD 0.0009%). This variant has not been reported in the literature in individuals affected with KCND2-related conditions. Advanced modeling of protein sequence and biophysical properties (such as structural, functional, and spatial information, amino acid conservation, physicochemical variation, residue mobility, and thermodynamic stability) performed at Invitae indicates that this missense variant is not expected to disrupt KCND2 protein function. In summary, the available evidence is currently insufficient to determine the role of this variant in disease. Therefore, it has been classified as a Variant of Uncertain Significance.

NM_012281.3(KCND2):c.236A>C (p.Glu79Ala)

Gene: KCND2 (potassium voltage-gated channel subfamily D member 2; plus strand). Cytogenetic location: 7q31.31.
Variant type: single nucleotide variant.
Coding change: c.236A>C on transcript NM_012281.3 (MANE Select); coding-DNA position 236, A replaced by C.
Protein change: p.Glu79Ala; replaces glutamic acid 79 with alanine.
Molecular consequence: missense variant.
Genome position (GRCh38, 1-based): chr7:120,274,868, A>C. VCF-style: chr7-120274868-A-C. GRCh37 (hg19) VCF-style: chr7-119914922-A-C.
Other names: short protein forms E79A.
Identifiers: ClinVar variation 2420078 (VCV002420078.5), dbSNP rs1273089507, ClinGen allele CA369131135.